The following is an entry in ClinVar:

ClinVar aggregate classification (germline): Pathogenic. Review status: criteria provided, multiple submitters, no conflicts (2 of 4 stars). 3 submissions from 3 submitters: Pathogenic (2). 1 of the submissions does not count toward it. Last evaluated 2025-10-01.

Conditions:
Familial thoracic aortic aneurysm and aortic dissection (TAAD). Also called: Thoracic aortic aneurysms and dissections. Identifiers: Orphanet 91387, MedGen C4707243, MONDO:0019625.
Ehlers-Danlos syndrome, type 4 (EDSVASC). Also called: Ehlers-Danlos syndrome vascular type; Ehlers Danlos syndrome, ecchymotic type; Ehlers Danlos syndrome, arterial type; Ehlers Danlos syndrome, Sack-Barabas type; Ehlers-Danlos Syndrome Type IV. Identifiers: Orphanet 286, MedGen C0268338, MONDO:0017314, OMIM 130050.

Submissions (3):

Ambry Genetics
Classification: Pathogenic for Familial thoracic aortic aneurysm and aortic dissection. Last evaluated: 2025-10-01. Review status: criteria provided, single submitter. Criteria: Ambry Variant Classification Scheme 2023. Collection method: clinical testing. Allele origin: germline.
Comment: The c.3202-2A>G intronic pathogenic mutation results from an A to G substitution two nucleotides upstream from coding exon 44 in the COL3A1 gene. Alterations that disrupt the canonical splice site are expected to result in aberrant splicing. In silico splice site analysis predicts that this alteration will weaken the native splice acceptor site. A resulting transcript is predicted to be in-frame and is not expected to trigger nonsense-mediated mRNAdecay; although, direct evidence is unavailable. However, the region predicted to be impacted is critical for protein function (Ambry internal data). This variant was reported in individual(s) with features consistent with vascular Ehlers-Danlos syndrome; in at least one individual, it was determined to be de novo (Burk CJ et al. J Am Acad Dermatol, 2007 Feb;56:S53-4; Pepin MG et al. Genet Med, 2014 Dec;16:881-8; Legrand A et al. Genet Med, 2019 Jul;21:1568-1575). Note, this variant is also referred to as IVS44-2A>G in the literature. This variant is considered to be rare based on population cohorts in the Genome Aggregation Database (gnomAD). This nucleotide position is highly conserved in available vertebrate species. Based on the supporting evidence, this variant is interpreted as a disease-causing mutation.

Labcorp Genetics (formerly Invitae), Labcorp
Classification: Pathogenic for Ehlers-Danlos syndrome, type 4. Last evaluated: 2023-07-17. Review status: criteria provided, single submitter. Criteria: Invitae Variant Classification Sherloc (09022015). Collection method: clinical testing. Allele origin: germline.
Comment: For these reasons, this variant has been classified as Pathogenic. Algorithms developed to predict the effect of sequence changes on RNA splicing suggest that this variant may disrupt the consensus splice site. ClinVar contains an entry for this variant (Variation ID: 101440). This variant is also known as IVS44-2A>G. Disruption of this splice site has been observed in individuals with clinical features of autosomal dominant COL3A1-related conditions (PMID: 17224388; Invitae). This variant is not present in population databases (gnomAD no frequency). This sequence change affects an acceptor splice site in intron 43 of the COL3A1 gene. It is expected to disrupt RNA splicing. Variants that disrupt the donor or acceptor splice site typically lead to a loss of protein function (PMID: 16199547), and loss-of-function variants in COL3A1 are known to be pathogenic (PMID: 24922459).

Collagen Diagnostic Laboratory, University of Washington
Classification: Pathogenic for Ehlers-Danlos syndrome, type 4. Review status: no assertion criteria provided. Collection method: clinical testing. Allele origin: germline. Affected: yes. Not counted in ClinVar's aggregate classification.

Literature cited by the submitters: PubMed 17224388 (cited by Ambry Genetics and Labcorp Genetics (formerly Invitae), Labcorp); PubMed 24922459 (cited by Ambry Genetics and Labcorp Genetics (formerly Invitae), Labcorp); PubMed 30474650 (cited by Ambry Genetics); PubMed 16199547 (cited by Labcorp Genetics (formerly Invitae), Labcorp).

NM_000090.4(COL3A1):c.3202-2A>G

Gene: COL3A1 (collagen type III alpha 1 chain; plus strand). Cytogenetic location: 2q32.2.
Variant type: single nucleotide variant.
Coding change: c.3202-2A>G on transcript NM_000090.4 (MANE Select); the canonical splice acceptor site of the intron before coding-DNA position 3202, A replaced by G.
Molecular consequence: splice acceptor variant.
Genome position (GRCh38, 1-based): chr2:189,006,935, A>G. VCF-style: chr2-189006935-A-G. GRCh37 (hg19) VCF-style: chr2-189871661-A-G.
Identifiers: ClinVar variation 101440 (VCV000101440.13), dbSNP rs587779682, ClinGen allele CA006180.